The following is an entry in ClinVar:

ClinVar aggregate classification (germline): Pathogenic (1 of 4 stars; one submission).

Conditions:
MPI-congenital disorder of glycosylation. Also called: CDG Ib; MPI-CDG; CONGENITAL DISORDER OF GLYCOSYLATION, TYPE Ib; MANNOSEPHOSPHATE ISOMERASE DEFICIENCY; PROTEIN-LOSING ENTEROPATHY-HEPATIC FIBROSIS SYNDROME; MPI DEFICIENCY. Identifiers: Orphanet 79319, MedGen C1865145, MONDO:0011257, OMIM 602579.

Submission:

Labcorp Genetics (formerly Invitae), Labcorp
Classification: Pathogenic for MPI-congenital disorder of glycosylation. Last evaluated: 2022-12-25. Review status: criteria provided, single submitter. Criteria: Invitae Variant Classification Sherloc (09022015). Collection method: clinical testing. Allele origin: germline.
Comment: This variant has not been reported in the literature in individuals affected with MPI-related conditions. This variant is not present in population databases (gnomAD no frequency). This sequence change creates a premature translational stop signal (p.Trp74*) in the MPI gene. It is expected to result in an absent or disrupted protein product. Loss-of-function variants in MPI are known to be pathogenic (PMID: 19862844). For these reasons, this variant has been classified as Pathogenic.

Literature cited by the submitters: PubMed 19862844.

NM_002435.3(MPI):c.222G>A (p.Trp74Ter)

Gene: MPI (mannose phosphate isomerase; plus strand). Cytogenetic location: 15q24.1.
Variant type: single nucleotide variant.
Coding change: c.222G>A on transcript NM_002435.3 (MANE Select); coding-DNA position 222, G replaced by A.
Protein change: p.Trp74Ter; replaces tryptophan 74 with a stop codon.
Molecular consequence: nonsense.
Genome position (GRCh38, 1-based): chr15:74,891,456, G>A. VCF-style: chr15-74891456-G-A. GRCh37 (hg19) VCF-style: chr15-75183797-G-A.
Other names: c.222G>A, p.Trp74Ter (NM_001289155.2, NM_001289157.2); c.72G>A, p.Trp24Ter (NM_001289156.2); c.162G>A, p.Trp54Ter (NM_001330372.2); short protein forms W54*, W24*, W74*.
Identifiers: ClinVar variation 2824025 (VCV002824025.3), dbSNP rs2505813674, ClinGen allele CA393171325.